The following is an entry in ClinVar:

NM_198282.4(STING1):c.463G>A (p.Val155Met)

Gene: STING1 (stimulator of interferon response cGAMP interactor 1; minus strand). Cytogenetic location: 5q31.2.
Variant type: single nucleotide variant.
Coding change: c.463G>A on transcript NM_198282.4 (MANE Select); coding-DNA position 463, G replaced by A.
Protein change: p.Val155Met; replaces valine 155 with methionine.
Molecular consequence: missense variant.
Genome position (GRCh38, 1-based): chr5:139,480,847, C>T on the plus strand (G>A on the coding strand, the complement: STING1 is on the minus strand). VCF-style: chr5-139480847-C-T. GRCh37 (hg19) VCF-style: chr5-138860432-C-T.
Other names: c.463G>A, p.Val155Met (NM_001301738.2); c.106G>A, p.Val36Met (NM_001367258.1); short protein forms V155M, V36M.
Identifiers: ClinVar variation 143862 (VCV000143862.30), dbSNP rs587777610, ClinGen allele CA170517.

ClinVar aggregate classification (germline): Pathogenic. Review status: criteria provided, multiple submitters, no conflicts (2 of 4 stars). 11 submissions from 11 submitters: Pathogenic (9). 2 of the submissions do not count toward it. Last evaluated 2026-03-11.

Conditions:
TMEM173-related disorders.
STING1-related disorder. Also called: STING1-related condition.
STING-associated vasculopathy with onset in infancy. Also called: Sting-associated vasculopathy, infantile-onset. Identifiers: Orphanet 425120, MedGen C4014722, MONDO:0014405, OMIM 615934.

Allele frequency attached by ClinVar (database versions not stated): gnomAD exomes below 0.00001; TOPMed 0.00001; gnomAD 0.00003.

Submissions (11):

PreventionGenetics, part of Exact Sciences
Classification: Pathogenic for STING1-related condition. Last evaluated: 2026-03-11. Review status: criteria provided, single submitter. Criteria: ACMG Guidelines, 2015. Collection method: clinical testing. Allele origin: germline.
Comment: The STING1 c.463G>A variant is predicted to result in the amino acid substitution p.Val155Met. This variant has been reported in the heterozygous state in multiple individuals with STING-associated vasculopathy with onset in infancy (SAVI) or systemic autoinflammatory disorder (Wang et al. 2020. PubMed ID: 33042144; Grossi et al. 2021. PubMed ID: 34573280). This variant was also observed to segregate with disease with variable penetrance in a family with SAVI (Jeremiah et al. 2014. PubMed ID: 25401470). Moreover, this variant has been reported as a de novo occurrence in two individuals with SAVI (Liu et al. 2014. PubMed ID: 25029335; Picard et al. 2016. PubMed ID: 27613991). In vitro experimental studies using multiple different cell lines suggest this variant causes constitutive activation of the IFNB1 promoter, independent of ligand stimulation, leading to strong NF-κB activation and reduced T-cell proliferation (Liu et al. 2014. PubMed ID: 25029335; Jeremiah et al. 2014. PubMed ID: 25401470; Cerboni et al. 2017. PubMed ID: 28484079). This variant is reported in 0.0062% of alleles in individuals of African descent in gnomAD. This variant is interpreted as pathogenic.

Labcorp Genetics (formerly Invitae), Labcorp
Classification: Pathogenic for STING-associated vasculopathy with onset in infancy. Last evaluated: 2026-02-01. Review status: criteria provided, single submitter. Criteria: Invitae Variant Classification Sherloc (09022015). Collection method: clinical testing. Allele origin: germline.
Comment: This sequence change replaces valine, which is neutral and non-polar, with methionine, which is neutral and non-polar, at codon 155 of the TMEM173 protein (p.Val155Met). This variant is present in population databases (no rsID available, gnomAD 0.007%). This missense change has been observed in individual(s) with STING-associated vasculopathy (SAVI) and severe pulmonary disease (PMID: 25029335, 25401470, 27613991). In at least one individual the variant was observed to be de novo. ClinVar contains an entry for this variant (Variation ID: 143862). Invitae Evidence Modeling of protein sequence and biophysical properties (such as structural, functional, and spatial information, amino acid conservation, physicochemical variation, residue mobility, and thermodynamic stability) indicates that this missense variant is expected to disrupt TMEM173 protein function with a positive predictive value of 80%. Experimental studies have shown that this missense change affects TMEM173 function (PMID: 25029335, 25401470, 26235147, 28484079). For these reasons, this variant has been classified as Pathogenic.

CeGaT Center for Human Genetics Tuebingen
Classification: Pathogenic. Last evaluated: 2025-02-01. Review status: criteria provided, single submitter. Criteria: CeGaT Center For Human Genetics Tuebingen Variant Classification Criteria Version 2. Collection method: clinical testing. Allele origin: germline. Affected: yes. Observed: 1 variant allele.
Comment: STING1: PM6:Strong, PP1:Strong, PM2, PS4:Moderate, PS3:Supporting

Department of Human Genetics, Hannover Medical School
Classification: Pathogenic for STING-associated vasculopathy with onset in infancy. Last evaluated: 2024-10-20. Review status: criteria provided, single submitter. Criteria: ACMG Guidelines, 2015. Collection method: clinical testing. Allele origin: germline. Affected: yes.

Victorian Clinical Genetics Services, Murdoch Childrens Research Institute
Classification: Pathogenic for STING-associated vasculopathy with onset in infancy. Last evaluated: 2023-07-17. Review status: criteria provided, single submitter. Criteria: ACMG Guidelines, 2015. Collection method: clinical testing. Allele origin: germline. Inheritance: Autosomal dominant inheritance. Affected: yes.
Comment: Based on the classification scheme VCGS_Germline_v1.3.4, this variant is classified as Pathogenic. Following criteria are met: 0101 - Gain of function is a known mechanism of disease in this gene and is associated with STING-associated vasculopathy, infantile-onset (MIM#615934). Missense variants were shown to result in reporter activation (PMID: 25029335). (I) 0107 - This gene is associated with autosomal dominant disease. (I) 0115 - Variants in this gene are known to have variable expressivity. Intrafamilial variability has been reported (PMID: 25401470). (I) 0200 - Variant is predicted to result in a missense amino acid change from valine to methionine. (I) 0251 - This variant is heterozygous. (I) 0302 - Variant is present in gnomAD (v3 and v2) <0.001 for a dominant condition (5 heterozygotes, 0 homozygotes). (SP) 0504 - Same amino acid change has been observed in placental mammals. (SB) 0602 - Variant is located in a hotspot region or cluster of pathogenic variants, within the connecter helix loop (DECIPHER, PMID: 32673614). (SP) 0801 - This variant has strong previous evidence of pathogenicity in unrelated individuals. This variant has been reported multiple times as pathogenic, and observed in at least five unrelated individuals with an inflammatory syndrome or infantile onset interstitial lung disease. In four of these individuals, the variant was found to be de novo (ClinVar, PMID: 25029335, PMID: 25401470, PMID: 31705453). (SP) 0903 - This variant has limited evidence for segregation with disease. This variant segregated in three affected members of a single family with a familial inflammatory syndrome (PMID: 25401470). (SP) 1002 - This variant has moderate functional evidence supporting abnormal protein function. Transfected cells showed elevated transcription of IFNB1 and other gene targets (PMID: 25029335, PMID: 25401470). (SP) Legend: (SP) - Supporting pathogenic, (I) - Information, (SB) - Supporting benign

Blueprint Genetics
Classification: Pathogenic for TMEM173-related disorders. Last evaluated: 2023-01-04. Review status: criteria provided, single submitter. Criteria: ACMG Guidelines, 2015. Collection method: clinical testing. Allele origin: germline. Affected: yes. Observed: 3 variant alleles.

Center for Genomics, Ann and Robert H. Lurie Children's Hospital of Chicago
Classification: Pathogenic. Last evaluated: 2021-11-22. Review status: criteria provided, single submitter. Criteria: ACMG Guidelines, 2015. Collection method: clinical testing. Allele origin: germline.
Comment: TMEM173 NM_198282 exon 5 p.Val155Met (c.463G>A): This variant has been reported in the literature in at least 4 individuals with suspected STING related disease (early onset systemic inflammation, cutaneous vasculopathy and pulmonary inflammation), segregating with disease in 2 affected family members and identified as de novo in 2 individuals (Jeremiah 2014 PMID:25401470, Liu 2014 PMID:25029335, Picard 2016 PMID:27613991). This variant is present in 1/15300 African alleles in the Genome Aggregation Database. This variant is present in ClinVar (Variation ID:143862). Evolutionary conservation and computational predictive tools suggest that this variant may impact the protein. In vitro functional studies also predict that this variant will impact the protein, with authors proposing a gain of function mechanism (Jeremiah 2014 PMID:25401470, Liu 2014 PMID:25029335, Cerboni 2017 PMID:28484079). In summary, this variant is classified as pathogenic based on the data above.

Fulgent Genetics
Classification: Pathogenic for STING-associated vasculopathy with onset in infancy. Last evaluated: 2018-10-31. Review status: criteria provided, single submitter. Criteria: ACMG Guidelines, 2015. Collection method: clinical testing. Allele origin: unknown.

GeneDx
Classification: Pathogenic. Last evaluated: 2015-08-13. Review status: criteria provided, single submitter. Criteria: GeneDx Variant Classification (06012015). Collection method: clinical testing. Allele origin: germline. Affected: yes.
Comment: The V155M substitution in the TMEM173 gene has been reported previously as both a de novo variant andin a family with multiple affected individuals showing variable clinical features consistent with SALVI (Liuet al., 2014; Jeremiah et al., 2014). Functional studies of the V155M variant indicate it results in gain offunction upregulation of type I interferon production (Jeremiah, et al., 2014). The V155M variant was notobserved in approximately 6,500 individuals of European and African American ancestry in the NHLBIExome Sequencing Project, indicating it is not a common benign variant in these populations. The V155Mvariant is a conservative amino acid substitution, which is at a position that is conserved, but Methioninehas been observed at this position in evolution. In silico analysis predicts this variant is probably damagingto the protein structure/function. Missense variants in nearby residues (V147L and N154S) have beenreported in the Human Gene Mutation Database in association with early onset vasculopathy (Stenson etal., 2014), supporting the functional importance of this region of the protein. We interpret V155M as a pathogenic variant.

Clinical Genetics Laboratory, University Hospital Schleswig-Holstein
Classification: Pathogenic for STING-associated vasculopathy with onset in infancy. Last evaluated: 2022-02-01. Review status: no assertion criteria provided. Collection method: clinical testing. Allele origin: germline. Affected: yes. Not counted in ClinVar's aggregate classification.

OMIM
Classification: Pathogenic for STING-ASSOCIATED VASCULOPATHY, INFANTILE-ONSET. Last evaluated: 2014-12-01. Review status: no assertion criteria provided. Collection method: literature only. Allele origin: germline. Not counted in ClinVar's aggregate classification.

Literature cited by the submitters: PubMed 25029335 (cited by 3 submitters); PubMed 25401470 (cited by 3 submitters); PubMed 27613991 (cited by Labcorp Genetics (formerly Invitae), Labcorp); PubMed 26235147 (cited by Labcorp Genetics (formerly Invitae), Labcorp); PubMed 28484079 (cited by Labcorp Genetics (formerly Invitae), Labcorp); PubMed 31705453 (cited by Victorian Clinical Genetics Services, Murdoch Childrens Research Institute); PubMed 32673614 (cited by Victorian Clinical Genetics Services, Murdoch Childrens Research Institute).